The following is an entry in ClinVar:

NM_152281.3(GORAB):c.-28C>G

Genes: GORAB-AS1 (GORAB antisense RNA 1; minus strand), GORAB (golgin, RAB6 interacting; plus strand). Cytogenetic location: 1q24.2.
Variant type: single nucleotide variant.
Coding change: c.-28C>G on transcript NM_152281.3 (MANE Select); 28 bases upstream of the start codon, C replaced by G.
Molecular consequence: 5 prime UTR variant. On other transcripts: non-coding transcript variant (1).
Genome position (GRCh38, 1-based): chr1:170,532,196, C>G. VCF-style: chr1-170532196-C-G. GRCh37 (hg19) VCF-style: chr1-170501337-C-G.
Other names: c.48C>G (NM_152281.2); c.-28C>G (NM_001146039.2); c.-793C>G (NM_001320252.2).
Identifiers: ClinVar variation 1518633 (VCV001518633.9), dbSNP rs553663341, ClinGen allele CA1238980.
Genomic context (GRCh38, chr1:170,532,196, plus strand): 5'-GGGAAAAACCCGGATGAGCTGGGCAGCAGTGTTGGCAGTCGCGGCTGCGAGATTTGGGCA[C>G]TTTTGGGGGTGCCGGTGGCCCGGGCCGATGGCGCAAGGTTGGGCAGGATTCTCTGAGGAG-3'

ClinVar aggregate classification (germline): Uncertain significance. Review status: criteria provided, multiple submitters, no conflicts (2 of 4 stars). 4 submissions from 4 submitters: Uncertain significance (4). Last evaluated 2025-11-13.

Conditions:
Geroderma osteodysplastica (GO). Also called: WALT DISNEY DWARFISM; Geroderma osteodysplasticum. Identifiers: Orphanet 2078, MedGen C0432255, MONDO:0009271, OMIM 231070.
Inborn genetic diseases. Identifiers: MedGen C0950123, MeSH D030342.

Allele frequency attached by ClinVar (database versions not stated): gnomAD 0.00003; TOPMed 0.00008.
gnomAD v4.1: 58 of 1,613,770 alleles (0.0036%); highest among the groups gnomAD compares: Non-Finnish European, 0.0048%; no homozygotes.

Submissions (4):

Ambry Genetics
Classification: Uncertain significance for Inborn genetic diseases. Last evaluated: 2025-11-13. Review status: criteria provided, single submitter. Criteria: Ambry Variant Classification Scheme 2023. Collection method: clinical testing. Allele origin: germline.

Genome-Nilou Lab
Classification: Uncertain significance for Geroderma osteodysplastica. Last evaluated: 2023-04-11. Review status: criteria provided, single submitter. Criteria: ACMG Guidelines, 2015. Collection method: clinical testing. Allele origin: germline. Affected: no.

Labcorp Genetics (formerly Invitae), Labcorp
Classification: Uncertain significance. Last evaluated: 2021-09-24. Review status: criteria provided, single submitter. Criteria: Invitae Variant Classification Sherloc (09022015). Collection method: clinical testing. Allele origin: germline.
Comment: This sequence change replaces histidine with glutamine at codon 16 of the GORAB protein (p.His16Gln). The histidine residue is weakly conserved and there is a small physicochemical difference between histidine and glutamine. This variant is present in population databases (rs553663341, ExAC 0.003%). This variant has not been reported in the literature in individuals with GORAB-related conditions. Algorithms developed to predict the effect of missense changes on protein structure and function are either unavailable or do not agree on the potential impact of this missense change (SIFT: "Deleterious"; PolyPhen-2: "Benign"; Align-GVGD: "Class C0"). In summary, the available evidence is currently insufficient to determine the role of this variant in disease. Therefore, it has been classified as a Variant of Uncertain Significance.

Breakthrough Genomics
Classification: Uncertain significance. Review status: criteria provided, single submitter. Criteria: ACMG Guidelines, 2015. Collection method: not provided. Allele origin: germline. Inheritance: Autosomal recessive inheritance. Affected: yes.